The following is an entry in ClinVar:

NM_020549.5(CHAT):c.754C>T (p.His252Tyr)

Gene: CHAT (choline O-acetyltransferase; plus strand). Cytogenetic location: 10q11.23.
Variant type: single nucleotide variant.
Coding change: c.754C>T on transcript NM_020549.5 (MANE Select); coding-DNA position 754, C replaced by T.
Protein change: p.His252Tyr; replaces histidine 252 with tyrosine.
Molecular consequence: missense variant.
Genome position (GRCh38, 1-based): chr10:49,625,474, C>T. VCF-style: chr10-49625474-C-T. GRCh37 (hg19) VCF-style: chr10-50833520-C-T.
Other names: p.His252Tyr; c.400C>T, p.His134Tyr (NM_001142929.2, NM_001142934.2, NM_020984.4 and 2 more transcripts); c.508C>T, p.His170Tyr (NM_001142933.2); short protein forms H134Y, H170Y, H252Y.
Identifiers: ClinVar variation 707510 (VCV000707510.17), dbSNP rs376994468, ClinGen allele CA5497268.

ClinVar aggregate classification (germline): Conflicting classifications of pathogenicity. Review status: criteria provided, conflicting classifications (1 of 4 stars). 5 submissions from 5 submitters: Uncertain significance (3); Likely benign (1). 1 of the submissions does not count toward it. Last evaluated 2026-01-09.

Conditions:
Familial infantile myasthenia (CMS6). Also called: Congenital myasthenic syndrome type 6; MYASTHENIC SYNDROME, PRESYNAPTIC, CONGENITAL, ASSOCIATED WITH EPISODIC APNEA; MYASTHENIC SYNDROME, CONGENITAL, 6, PRESYNAPTIC. Identifiers: Orphanet 590, MedGen C0393929, MONDO:0009689, OMIM 254210.
CHAT-related disorder. Also called: CHAT-related condition.

Allele frequency attached by ClinVar (database versions not stated): gnomAD exomes 0.00007 and 0.00029; ESP Exome Variant Server 0.00008; gnomAD 0.00023; ExAC 0.00025; TOPMed 0.00026; 1000 Genomes Project 30x 0.00094; 1000 Genomes Project 0.00100.
gnomAD v4.1: 164 of 1,612,314 alleles (0.01%); highest among the groups gnomAD compares: East Asian, 0.2%; no homozygotes.

Submissions (5):

Labcorp Genetics (formerly Invitae), Labcorp
Classification: Likely benign for Familial infantile myasthenia. Last evaluated: 2026-01-09. Review status: criteria provided, single submitter. Criteria: Invitae Variant Classification Sherloc (09022015). Collection method: clinical testing. Allele origin: germline.

Revvity Omics, Revvity
Classification: Uncertain significance for Familial infantile myasthenia. Last evaluated: 2025-03-24. Review status: criteria provided, single submitter. Criteria: ACMG Guidelines, 2015. Collection method: clinical testing. Allele origin: germline.

Blueprint Genetics
Classification: Uncertain significance. Last evaluated: 2024-08-30. Review status: criteria provided, single submitter. Criteria: ACMG Guidelines, 2015. Collection method: clinical testing. Allele origin: germline.

Mayo Clinic Laboratories, Mayo Clinic
Classification: Uncertain significance. Last evaluated: 2024-02-13. Review status: criteria provided, single submitter. Criteria: ACMG Guidelines, 2015. Collection method: clinical testing. Allele origin: germline. Observed: 1 variant allele.

PreventionGenetics, part of Exact Sciences
Classification: Likely benign for CHAT-related condition. Last evaluated: 2023-02-15. Review status: no assertion criteria provided. Collection method: clinical testing. Allele origin: germline. Not counted in ClinVar's aggregate classification.
Comment: This variant is classified as likely benign based on ACMG/AMP sequence variant interpretation guidelines (Richards et al. 2015 PMID: 25741868, with internal and published modifications).